The following is an entry in ClinVar:

NM_000070.3(CAPN3):c.712T>A (p.Phe238Ile)

Gene: CAPN3 (calpain 3; plus strand). Cytogenetic location: 15q15.1.
Variant type: single nucleotide variant.
Coding change: c.712T>A on transcript NM_000070.3 (MANE Select); coding-DNA position 712, T replaced by A.
Protein change: p.Phe238Ile; replaces phenylalanine 238 with isoleucine.
Molecular consequence: missense variant.
Genome position (GRCh38, 1-based): chr15:42,389,007, T>A. VCF-style: chr15-42389007-T-A. GRCh37 (hg19) VCF-style: chr15-42681205-T-A.
Other names: c.712T>A, p.Phe238Ile (NM_024344.2, NM_173087.2); c.451T>A, p.Phe151Ile (NM_212464.2); c.*405T>A (NM_212467.2); short protein forms F238I, F151I.
Identifiers: ClinVar variation 2109929 (VCV002109929.4), dbSNP rs760126827, ClinGen allele CA391998211.

ClinVar aggregate classification (germline): Uncertain significance (1 of 4 stars; one submission).

Conditions:
Autosomal recessive limb-girdle muscular dystrophy type 2A (LGMDR1). Also called: Muscular dystrophy, limb-girdle, type 2A, Amish; LEYDEN-MOEBIUS MUSCULAR DYSTROPHY; MUSCULAR DYSTROPHY, PELVOFEMORAL; Limb-girdle muscular dystrophy, type 2A; Calpainopathy. Identifiers: Orphanet 267, MedGen C1869123, MONDO:0009675, OMIM 253600. Disease mechanism: loss of function.

Submission:

Labcorp Genetics (formerly Invitae), Labcorp
Classification: Uncertain significance for Autosomal recessive limb-girdle muscular dystrophy type 2A. Last evaluated: 2025-08-18. Review status: criteria provided, single submitter. Criteria: Invitae Variant Classification Sherloc (09022015). Collection method: clinical testing. Allele origin: germline.
Comment: This sequence change replaces phenylalanine, which is neutral and non-polar, with isoleucine, which is neutral and non-polar, at codon 238 of the CAPN3 protein (p.Phe238Ile). This variant is not present in population databases (gnomAD no frequency). This variant has not been reported in the literature in individuals affected with CAPN3-related conditions. ClinVar contains an entry for this variant (Variation ID: 2109929). Invitae Evidence Modeling of protein sequence and biophysical properties (such as structural, functional, and spatial information, amino acid conservation, physicochemical variation, residue mobility, and thermodynamic stability) indicates that this missense variant is not expected to disrupt CAPN3 protein function with a negative predictive value of 80%. In summary, the available evidence is currently insufficient to determine the role of this variant in disease. Therefore, it has been classified as a Variant of Uncertain Significance.